The following is an entry in ClinVar:

ClinVar aggregate classification (germline): Benign/Likely benign. Review status: criteria provided, multiple submitters, no conflicts (2 of 4 stars). 3 submissions from 3 submitters: Benign (1); Likely benign (2). Last evaluated 2026-08-01.

Conditions:
Cardiovascular phenotype. Identifiers: MedGen CN230736.
Telangiectasia, hereditary hemorrhagic, type 2 (HHT2). Also called: ACVRL1-Related Hereditary Hemorrhagic Telangiectasia; Telangiectasia, hereditary hemorrhagic, type II. Identifiers: Orphanet 774, MedGen C1838163, MONDO:0010880, OMIM 600376. Disease mechanism: loss of function.

Allele frequency attached by ClinVar (database versions not stated): gnomAD exomes 0.00006 and 0.00016; ExAC 0.00026; ESP Exome Variant Server 0.00031; gnomAD 0.00039 and 0.00041; TOPMed 0.00039.
gnomAD v4.1: 152 of 1,598,158 alleles (0.0095%); highest among the groups gnomAD compares: African/African-American, 0.12%; no homozygotes.

Submissions (3):

CeGaT Center for Human Genetics Tuebingen
Classification: Likely benign. Last evaluated: 2026-08-01. Review status: criteria provided, single submitter. Criteria: CeGaT Center For Human Genetics Tuebingen Variant Classification Criteria Version 2. Collection method: clinical testing. Allele origin: germline. Affected: yes. Observed: 1 variant allele.
Comment: ACVRL1: BP4, BS1

Labcorp Genetics (formerly Invitae), Labcorp
Classification: Likely benign for Telangiectasia, hereditary hemorrhagic, type 2. Last evaluated: 2025-12-22. Review status: criteria provided, single submitter. Criteria: Invitae Variant Classification Sherloc (09022015). Collection method: clinical testing. Allele origin: germline.

Ambry Genetics
Classification: Benign for Cardiovascular phenotype. Last evaluated: 2022-01-18. Review status: criteria provided, single submitter. Criteria: Ambry Variant Classification Scheme 2023. Collection method: clinical testing. Allele origin: germline.

NM_000020.3(ACVRL1):c.329C>T (p.Ser110Leu)

Gene: ACVRL1 (activin A receptor like type 1; plus strand). Cytogenetic location: 12q13.13.
Variant type: single nucleotide variant.
Coding change: c.329C>T on transcript NM_000020.3 (MANE Select); coding-DNA position 329, C replaced by T.
Protein change: p.Ser110Leu; replaces serine 110 with leucine.
Molecular consequence: missense variant.
Genome position (GRCh38, 1-based): chr12:51,913,574, C>T. VCF-style: chr12-51913574-C-T. GRCh37 (hg19) VCF-style: chr12-52307358-C-T.
Other names: c.329C>T, p.Ser110Leu (NM_001077401.2); short protein forms S110L.
Identifiers: ClinVar variation 464762 (VCV000464762.13), dbSNP rs143872998, ClinGen allele CA6572888.